The following is an entry in ClinVar:

NM_015409.5(EP400):c.257A>G (p.Asn86Ser)

Gene: EP400 (E1A binding protein p400; plus strand). Cytogenetic location: 12q24.33.
Variant type: single nucleotide variant.
Coding change: c.257A>G on transcript NM_015409.5 (MANE Select); coding-DNA position 257, A replaced by G.
Protein change: p.Asn86Ser; replaces asparagine 86 with serine.
Molecular consequence: missense variant.
Genome position (GRCh38, 1-based): chr12:131,960,876, A>G. VCF-style: chr12-131960876-A-G. GRCh37 (hg19) VCF-style: chr12-132445421-A-G.
Other names: short protein forms N86S.
Identifiers: ClinVar variation 790369 (VCV000790369.25), dbSNP rs117023015, ClinGen allele CA6884476.
Genomic context (GRCh38, chr12:131,960,876, plus strand): 5'-CTGCAACCGGGCAGAACGTGAACATCACCCTGCAGAGCGTGGGCCCTGTCGTCGGGGGAA[A>G]CCAGCAGATCACACTGGCCCCACTGCCGCTCCCCAGCCCCACCTCTCCAGGCTTCCAGTT-3'
Protein context (NP_056224.3, residues 76-96): LQSVGPVVGG[Asn86Ser]QQITLAPLPL

ClinVar aggregate classification (germline): Benign. Review status: criteria provided, multiple submitters, no conflicts (2 of 4 stars). 3 submissions from 3 submitters: Benign (3). Last evaluated 2024-04-01.

Allele frequency attached by ClinVar (database versions not stated): 1000 Genomes Project 0.00339; 1000 Genomes Project 30x 0.00344; TOPMed 0.00691; gnomAD exomes 0.00735 and 0.01038; gnomAD 0.00739 and 0.00770; ExAC 0.00777; ESP Exome Variant Server 0.00777.
gnomAD v4.1: 16,129 of 1,613,924 alleles (1%); highest among the groups gnomAD compares: Non-Finnish European, 1.2%; 92 homozygotes.

Submissions (3):

CeGaT Center for Human Genetics Tuebingen
Classification: Benign. Last evaluated: 2024-04-01. Review status: criteria provided, single submitter. Criteria: CeGaT Center For Human Genetics Tuebingen Variant Classification Criteria Version 2. Collection method: clinical testing. Allele origin: germline. Affected: yes. Observed: 1 variant allele.
Comment: EP400: PP2, BP4, BS1, BS2

Labcorp Genetics (formerly Invitae), Labcorp
Classification: Benign. Last evaluated: 2019-12-31. Review status: criteria provided, single submitter. Criteria: Invitae Variant Classification Sherloc (09022015). Collection method: clinical testing. Allele origin: germline.

Breakthrough Genomics
Classification: Benign. Review status: criteria provided, single submitter. Criteria: ACMG Guidelines, 2015. Collection method: not provided. Allele origin: germline. Inheritance: Unknown mechanism. Affected: yes.